The following is an entry in ClinVar:

ClinVar aggregate classification (germline): Uncertain significance (1 of 4 stars; one submission).

Conditions:
Adams-Oliver syndrome 5 (AOS5). Identifiers: Orphanet 974, MedGen C4014970, MONDO:0014459, OMIM 616028.

Allele frequency attached by ClinVar (database versions not stated): gnomAD exomes below 0.00001.
gnomAD v4.1: 2 of 1,609,346 alleles (0.00012%); highest among the groups gnomAD compares: Non-Finnish European, 0.00017%; no homozygotes.

Submission:

Labcorp Genetics (formerly Invitae), Labcorp
Classification: Uncertain significance for Adams-Oliver syndrome 5. Last evaluated: 2023-09-21. Review status: criteria provided, single submitter. Criteria: Invitae Variant Classification Sherloc (09022015). Collection method: clinical testing. Allele origin: germline.
Comment: In summary, the available evidence is currently insufficient to determine the role of this variant in disease. Therefore, it has been classified as a Variant of Uncertain Significance. Advanced modeling of protein sequence and biophysical properties (such as structural, functional, and spatial information, amino acid conservation, physicochemical variation, residue mobility, and thermodynamic stability) performed at Invitae indicates that this missense variant is not expected to disrupt NOTCH1 protein function. This variant has not been reported in the literature in individuals affected with NOTCH1-related conditions. This variant is not present in population databases (gnomAD no frequency). This sequence change replaces lysine, which is basic and polar, with glutamic acid, which is acidic and polar, at codon 508 of the NOTCH1 protein (p.Lys508Glu).

NM_017617.5(NOTCH1):c.1522A>G (p.Lys508Glu)

Gene: NOTCH1 (notch receptor 1; minus strand). Cytogenetic location: 9q34.3.
Variant type: single nucleotide variant.
Coding change: c.1522A>G on transcript NM_017617.5 (MANE Select); coding-DNA position 1522, A replaced by G.
Protein change: p.Lys508Glu; replaces lysine 508 with glutamic acid.
Molecular consequence: missense variant.
Genome position (GRCh38, 1-based): chr9:136,517,305, T>C on the plus strand (A>G on the coding strand, the complement: NOTCH1 is on the minus strand). VCF-style: chr9-136517305-T-C. GRCh37 (hg19) VCF-style: chr9-139411757-T-C.
Other names: short protein forms K508E.
Identifiers: ClinVar variation 2753235 (VCV002753235.3), dbSNP rs2540459621, ClinGen allele CA375562215.